The following is an entry in ClinVar:

ClinVar aggregate classification (germline): Uncertain significance (1 of 4 stars; one submission).

Submission:

Labcorp Genetics (formerly Invitae), Labcorp
Classification: Uncertain significance. Last evaluated: 2025-07-03. Review status: criteria provided, single submitter. Criteria: Invitae Variant Classification Sherloc (09022015). Collection method: clinical testing. Allele origin: germline.
Comment: This variant occurs in a non-coding region of the PRDM13 gene. It does not change the encoded amino acid sequence of the PRDM13 protein. This variant is not present in population databases (gnomAD no frequency). This variant has not been reported in the literature in individuals affected with PRDM13-related conditions. Experimental studies and prediction algorithms are not available or were not evaluated, and the functional significance of this variant is currently unknown. In summary, the available evidence is currently insufficient to determine the role of this variant in disease. Therefore, it has been classified as a Variant of Uncertain Significance.

NC_000006.12:g.99593112del

Genes: PRDM13 (PR/SET domain 13; plus strand), LOC111365204 (CCNC and PRDM13 intergenic region DNase I hypersensitve site DHS6S1; plus strand). Cytogenetic location: 6q16.2.
Variant type: Deletion.
Genome position: GRCh38 VCF-style: chr6-99593110-AG-A. GRCh37 (hg19) VCF-style: chr6-100040986-AG-A.
Identifiers: ClinVar variation 4805429 (VCV004805429.1).